The following is an entry in ClinVar:

ClinVar aggregate classification (germline): Benign/Likely benign. Review status: criteria provided, multiple submitters, no conflicts (2 of 4 stars). 5 submissions from 5 submitters: Benign (2); Likely benign (3). Last evaluated 2026-01-25.

Conditions:
Complex lethal osteochondrodysplasia. Also called: Osteochondrodysplasia, complex lethal, symoens-barnes-gistelinck type. Identifiers: Orphanet 457378, MedGen C4225162, MONDO:0014821, OMIM 616897.

Allele frequency attached by ClinVar (database versions not stated): gnomAD exomes 0.00076; 1000 Genomes Project 30x 0.00968; 1000 Genomes Project 0.00978.
gnomAD v4.1: 2,262 of 1,122,806 alleles (0.2%); highest among the groups gnomAD compares: African/African-American, 3.6%; 35 homozygotes.

Submissions (5):

Labcorp Genetics (formerly Invitae), Labcorp
Classification: Benign. Last evaluated: 2026-01-25. Review status: criteria provided, single submitter. Criteria: Invitae Variant Classification Sherloc (09022015). Collection method: clinical testing. Allele origin: germline.

Blueprint Genetics
Classification: Likely benign. Last evaluated: 2024-11-06. Review status: criteria provided, single submitter. Criteria: ACMG Guidelines, 2015. Collection method: clinical testing. Allele origin: germline.

GeneDx
Classification: Likely benign. Last evaluated: 2024-10-07. Review status: criteria provided, single submitter. Criteria: GeneDx Variant Classification Process June 2021. Collection method: clinical testing. Allele origin: germline. Affected: yes.
Comment: See Variant Classification Assertion Criteria.

Dubai Health Genomic Medicine Center, Dubai Health
Classification: Benign for Complex lethal osteochondrodysplasia. Last evaluated: 2020-07-19. Review status: criteria provided, single submitter. Criteria: ACMG Guidelines, 2015. Collection method: clinical testing. Allele origin: germline. Affected: yes.

Breakthrough Genomics
Classification: Likely benign. Review status: criteria provided, single submitter. Criteria: ACMG Guidelines, 2015. Collection method: not provided. Allele origin: germline. Inheritance: Autosomal recessive inheritance. Affected: yes.

NM_153365.3(TAPT1):c.137T>G (p.Leu46Arg)

Genes: TAPT1 (transmembrane anterior posterior transformation 1; minus strand), LOC129992296 (ATAC-STARR-seq lymphoblastoid silent region 15304; plus strand). Cytogenetic location: 4p15.32.
Variant type: single nucleotide variant.
Coding change: c.137T>G on transcript NM_153365.3 (MANE Select); coding-DNA position 137, T replaced by G.
Protein change: p.Leu46Arg; replaces leucine 46 with arginine.
Molecular consequence: missense variant.
Genome position (GRCh38, 1-based): chr4:16,226,321, A>C on the plus strand (T>G on the coding strand, the complement: TAPT1 is on the minus strand). VCF-style: chr4-16226321-A-C. GRCh37 (hg19) VCF-style: chr4-16227944-A-C.
Other names: short protein forms L46R.
Identifiers: ClinVar variation 1212785 (VCV001212785.19), dbSNP rs28384238, ClinGen allele CA2867578.